The following is an entry in ClinVar:

ClinVar aggregate classification (germline): Uncertain significance. Review status: criteria provided, multiple submitters, no conflicts (2 of 4 stars). 3 submissions from 3 submitters: Uncertain significance (3). Last evaluated 2026-08-23.

Conditions:
Inborn genetic diseases. Identifiers: MedGen C0950123, MeSH D030342.
Intellectual disability, autosomal dominant 24 (VSVS). Also called: VULTO-VAN SILFHOUT-DE VRIES SYNDROME. Identifiers: MedGen C4014414, MONDO:0014357, OMIM 615828.
Intellectual disability-epilepsy-extrapyramidal syndrome (NEDHELS). Also called: Dyskinesia, seizures, and intellectual developmental disorder. Identifiers: Orphanet 468620, MedGen C4310683, MONDO:0014952, OMIM 617171.

Allele frequency attached by ClinVar (database versions not stated): TOPMed below 0.00001.
gnomAD v4.1: 3 of 1,614,194 alleles (0.00019%); highest among the groups gnomAD compares: Non-Finnish European, 0.00025%; no homozygotes.

Submissions (3):

Ambry Genetics
Classification: Uncertain significance for Inborn genetic diseases. Last evaluated: 2026-08-23. Review status: criteria provided, single submitter. Criteria: Ambry Variant Classification Scheme 2023. Collection method: clinical testing. Allele origin: germline.

Clinical Genomics Laboratory, Washington University in St. Louis
Classification: Uncertain significance for Intellectual disability-epilepsy-extrapyramidal syndrome; Intellectual disability, autosomal dominant 24. Last evaluated: 2024-07-21. Review status: criteria provided, single submitter. Criteria: ACMG Guidelines, 2015. Collection method: clinical testing. Allele origin: germline.
Comment: The DEAF1 c.794G>C (p.Cys265Ser) variant, to our knowledge, has not been reported in the medical literature. This variant has been reported in the ClinVar database as a variant of uncertain significance by two submitters (Variation ID: 2919495). This variant is absent from the general population (gnomAD v.2.1.1), indicating it is not a common variant. The variant resides within the SAND domain where most of the de novo pathogenic DEAF1 variants are located (Nabais Sá MJ et al., PMID: 30923367). Due to limited information, and based on ACMG/AMP guidelines for variant interpretation (Richards S et al., PMID: 25741868), the clinical significance of this variant is uncertain at this time.

Labcorp Genetics (formerly Invitae), Labcorp
Classification: Uncertain significance. Last evaluated: 2024-04-10. Review status: criteria provided, single submitter. Criteria: Invitae Variant Classification Sherloc (09022015). Collection method: clinical testing. Allele origin: germline.
Comment: This sequence change replaces cysteine, which is neutral and slightly polar, with serine, which is neutral and polar, at codon 265 of the DEAF1 protein (p.Cys265Ser). This variant is not present in population databases (gnomAD no frequency). This variant has not been reported in the literature in individuals affected with DEAF1-related conditions. Advanced modeling of protein sequence and biophysical properties (such as structural, functional, and spatial information, amino acid conservation, physicochemical variation, residue mobility, and thermodynamic stability) has been performed at Invitae for this missense variant, however the output from this modeling did not meet the statistical confidence thresholds required to predict the impact of this variant on DEAF1 protein function. In summary, the available evidence is currently insufficient to determine the role of this variant in disease. Therefore, it has been classified as a Variant of Uncertain Significance.

NM_021008.4(DEAF1):c.794G>C (p.Cys265Ser)

Gene: DEAF1 (DEAF1 transcription factor; minus strand). Cytogenetic location: 11p15.5.
Variant type: single nucleotide variant.
Coding change: c.794G>C on transcript NM_021008.4 (MANE Select); coding-DNA position 794, G replaced by C.
Protein change: p.Cys265Ser; replaces cysteine 265 with serine.
Molecular consequence: missense variant. On other transcripts: intron variant (1).
Genome position (GRCh38, 1-based): chr11:686,868, C>G on the plus strand (G>C on the coding strand, the complement: DEAF1 is on the minus strand). VCF-style: chr11-686868-C-G. GRCh37 (hg19) VCF-style: chr11-686868-C-G.
Other names: c.68G>C, p.Cys23Ser (NM_001367390.1, NM_001440885.1, NM_001440886.1 and 1 more transcripts); c.794G>C, p.Cys265Ser (NM_001440883.1, NM_001440884.1); c.664+1043G>C (NM_001293634.2); short protein forms C265S, C23S.
Identifiers: ClinVar variation 2919495 (VCV002919495.5), dbSNP rs1407051916, ClinGen allele CA378931787.